The following is an entry in ClinVar:

NM_000352.6(ABCC8):c.77G>A (p.Cys26Tyr)

Gene: ABCC8 (ATP binding cassette subfamily C member 8; minus strand). Cytogenetic location: 11p15.1.
Variant type: single nucleotide variant.
Coding change: c.77G>A on transcript NM_000352.6 (MANE Select); coding-DNA position 77, G replaced by A.
Protein change: p.Cys26Tyr; replaces cysteine 26 with tyrosine.
Molecular consequence: missense variant. On other transcripts: non-coding transcript variant (1).
Genome position (GRCh38, 1-based): chr11:17,476,700, C>T on the plus strand (G>A on the coding strand, the complement: ABCC8 is on the minus strand). VCF-style: chr11-17476700-C-T. GRCh37 (hg19) VCF-style: chr11-17498247-C-T.
Other names: c.77G>A, p.Cys26Tyr (NM_001287174.3, NM_001351295.2, NM_001351296.2 and 1 more transcripts); short protein forms C26Y.
Identifiers: ClinVar variation 3370104 (VCV003370104.1).

ClinVar aggregate classification (germline): Uncertain significance (1 of 4 stars; one submission).

Submission:

GeneDx
Classification: Uncertain significance. Last evaluated: 2023-12-19. Review status: criteria provided, single submitter. Criteria: GeneDx Variant Classification Process June 2021. Collection method: clinical testing. Allele origin: germline. Affected: yes.
Comment: Not observed at significant frequency in large population cohorts (gnomAD); In silico analysis supports that this missense variant has a deleterious effect on protein structure/function; Has not been previously published as pathogenic or benign to our knowledge